The following is an entry in ClinVar:

NM_005869.4(CWC27):c.1312A>G (p.Met438Val)

Gene: CWC27 (CWC27 spliceosome associated cyclophilin; plus strand). Cytogenetic location: 5q12.3.
Variant type: single nucleotide variant.
Coding change: c.1312A>G on transcript NM_005869.4 (MANE Select); coding-DNA position 1312, A replaced by G.
Protein change: p.Met438Val; replaces methionine 438 with valine.
Molecular consequence: missense variant. On other transcripts: 3 prime UTR variant (1).
Genome position (GRCh38, 1-based): chr5:65,018,214, A>G. VCF-style: chr5-65018214-A-G. GRCh37 (hg19) VCF-style: chr5-64314041-A-G.
Other names: c.*32A>G (NM_001297644.1); short protein forms M438V.
Identifiers: ClinVar variation 1371100 (VCV001371100.6), dbSNP rs1381774438, ClinGen allele CA359961678.

ClinVar aggregate classification (germline): Uncertain significance (1 of 4 stars; one submission).

Allele frequency attached by ClinVar (database versions not stated): gnomAD exomes below 0.00001 and 0.00001; TOPMed below 0.00001.
gnomAD v4.1: 3 of 1,609,758 alleles (0.00019%); highest among the groups gnomAD compares: Non-Finnish European, 0.00025%; no homozygotes.

Submission:

Labcorp Genetics (formerly Invitae), Labcorp
Classification: Uncertain significance. Last evaluated: 2022-02-23. Review status: criteria provided, single submitter. Criteria: Invitae Variant Classification Sherloc (09022015). Collection method: clinical testing. Allele origin: germline.
Comment: In summary, the available evidence is currently insufficient to determine the role of this variant in disease. Therefore, it has been classified as a Variant of Uncertain Significance. Algorithms developed to predict the effect of missense changes on protein structure and function (SIFT, PolyPhen-2, Align-GVGD) all suggest that this variant is likely to be tolerated. This variant has not been reported in the literature in individuals affected with CWC27-related conditions. This variant is present in population databases (no rsID available, gnomAD 0.0009%). This sequence change replaces methionine, which is neutral and non-polar, with valine, which is neutral and non-polar, at codon 438 of the CWC27 protein (p.Met438Val).